The following is an entry in ClinVar:

ClinVar aggregate classification (germline): Uncertain significance (1 of 4 stars; one submission).

Submission:

Labcorp Genetics (formerly Invitae), Labcorp
Classification: Uncertain significance. Last evaluated: 2024-10-26. Review status: criteria provided, single submitter. Criteria: Invitae Variant Classification Sherloc (09022015). Collection method: clinical testing. Allele origin: germline.
Comment: This sequence change replaces serine, which is neutral and polar, with threonine, which is neutral and polar, at codon 2135 of the FLNB protein (p.Ser2135Thr). This variant is not present in population databases (gnomAD no frequency). This variant has not been reported in the literature in individuals affected with FLNB-related conditions. ClinVar contains an entry for this variant (Variation ID: 2120944). Invitae Evidence Modeling of protein sequence and biophysical properties (such as structural, functional, and spatial information, amino acid conservation, physicochemical variation, residue mobility, and thermodynamic stability) indicates that this missense variant is not expected to disrupt FLNB protein function with a negative predictive value of 95%. In summary, the available evidence is currently insufficient to determine the role of this variant in disease. Therefore, it has been classified as a Variant of Uncertain Significance.

NM_001457.4(FLNB):c.6404G>C (p.Ser2135Thr)

Gene: FLNB (filamin B; plus strand). Cytogenetic location: 3p14.3.
Variant type: single nucleotide variant.
Coding change: c.6404G>C on transcript NM_001457.4 (MANE Select); coding-DNA position 6404, G replaced by C.
Protein change: p.Ser2135Thr; replaces serine 2135 with threonine.
Molecular consequence: missense variant.
Genome position (GRCh38, 1-based): chr3:58,153,411, G>C. VCF-style: chr3-58153411-G-C. GRCh37 (hg19) VCF-style: chr3-58139138-G-C.
Other names: c.6497G>C, p.Ser2166Thr (NM_001164317.2); c.6371G>C, p.Ser2124Thr (NM_001164318.2); c.6332G>C, p.Ser2111Thr (NM_001164319.2); short protein forms S2111T, S2135T, S2166T, S2124T.
Identifiers: ClinVar variation 2120944 (VCV002120944.4), dbSNP rs953797910, ClinGen allele CA353359252.